The following is an entry in ClinVar:

NM_014956.5(CEP164):c.1083G>A (p.Arg361=)

Gene: CEP164 (centrosomal protein 164; plus strand). Cytogenetic location: 11q23.3.
Variant type: single nucleotide variant.
Coding change: c.1083G>A on transcript NM_014956.5 (MANE Select); coding-DNA position 1083, G replaced by A.
Protein change: p.Arg361=; no amino-acid change (arginine 361 retained).
Molecular consequence: synonymous variant.
Genome position (GRCh38, 1-based): chr11:117,371,397, G>A. VCF-style: chr11-117371397-G-A. GRCh37 (hg19) VCF-style: chr11-117242113-G-A.
Other names: c.1083G>A, p.Arg361= (NM_001271933.2, NM_001440949.1, NM_001440950.1 and 16 more transcripts); c.1005G>A, p.Arg335= (NM_001440952.1, NM_001440954.1, NM_001440955.1 and 17 more transcripts); c.945G>A, p.Arg315= (NM_001440960.1).
Identifiers: ClinVar variation 4994493 (VCV004994493.1).

ClinVar aggregate classification (germline): Likely benign (1 of 4 stars; one submission).

Conditions:
CEP164-related disorder. Also called: CEP164-related condition.

gnomAD v4.1: 1 of 1,614,164 alleles (0.000062%); highest among the groups gnomAD compares: Admixed American, 0.0017%; no homozygotes.

Submission:

PreventionGenetics, part of Exact Sciences
Classification: Likely benign for CEP164-related condition. Last evaluated: 2026-04-24. Review status: criteria provided, single submitter. Criteria: ACMG Guidelines, 2015. Collection method: clinical testing. Allele origin: germline.
Comment: This variant is classified as likely benign based on ACMG/AMP sequence variant interpretation guidelines (Richards et al. 2015 PMID: 25741868, with internal and published modifications).